The following is an entry in ClinVar:

NM_198173.3(GRHL3):c.165C>G (p.Asp55Glu)

Gene: GRHL3 (grainyhead like transcription factor 3; plus strand). Cytogenetic location: 1p36.11.
Variant type: single nucleotide variant.
Coding change: c.165C>G on transcript NM_198173.3 (MANE Select); coding-DNA position 165, C replaced by G.
Protein change: p.Asp55Glu; replaces aspartic acid 55 with glutamic acid.
Molecular consequence: missense variant.
Genome position (GRCh38, 1-based): chr1:24,331,573, C>G. VCF-style: chr1-24331573-C-G. GRCh37 (hg19) VCF-style: chr1-24658063-C-G.
Other names: c.27C>G, p.Asp9Glu (NM_001195010.2); c.180C>G, p.Asp60Glu (NM_021180.4); c.165C>G, p.Asp55Glu (NM_198174.3); short protein forms D55E, D60E, D9E.
Identifiers: ClinVar variation 1120074 (VCV001120074.17), dbSNP rs2486668, ClinGen allele CA689815.

ClinVar aggregate classification (germline): Benign. Review status: criteria provided, multiple submitters, no conflicts (2 of 4 stars). 5 submissions from 5 submitters: Benign (5). Last evaluated 2026-01-26.

Conditions:
Van der Woude syndrome 2 (VWS2). Identifiers: Orphanet 888, MedGen C1847604, MONDO:0011712, OMIM 606713.

Allele frequency attached by ClinVar (database versions not stated): gnomAD exomes 0.15794 and 0.16692; ExAC 0.15971; gnomAD 0.17050 and 0.17201; TOPMed 0.17146; 1000 Genomes Project 0.17851; ESP Exome Variant Server 0.17876; 1000 Genomes Project 30x 0.18082.
gnomAD v4.1: 269,820 of 1,613,514 alleles (17%); highest among the groups gnomAD compares: African/African-American, 20%; 23,185 homozygotes.

Submissions (5):

Labcorp Genetics (formerly Invitae), Labcorp
Classification: Benign for Van der Woude syndrome 2. Last evaluated: 2026-01-26. Review status: criteria provided, single submitter. Criteria: Invitae Variant Classification Sherloc (09022015). Collection method: clinical testing. Allele origin: germline.

Blueprint Genetics
Classification: Benign. Last evaluated: 2024-11-26. Review status: criteria provided, single submitter. Criteria: ACMG Guidelines, 2015. Collection method: clinical testing. Allele origin: germline.

Laboratory for Molecular Medicine, Mass General Brigham Personalized Medicine
Classification: Benign. Last evaluated: 2021-02-08. Review status: criteria provided, single submitter. Criteria: LMM Criteria. Collection method: clinical testing. Allele origin: germline. Observed: 1 variant allele.
Comment: The p.Asp55Glu variant in GRHL3 is classified as benign because it has been identified in 15.97% (4526/282536) of total chromosomes in gnomAD, including 3777 homozygous individuals. ACMG/AMP criteria applied: BA1.

GeneDx
Classification: Benign. Last evaluated: 2020-02-18. Review status: criteria provided, single submitter. Criteria: GeneDx Variant Classification Process June 2021. Collection method: clinical testing. Allele origin: germline. Affected: yes.
Comment: This variant is associated with the following publications: (PMID: 31332962)

Breakthrough Genomics
Classification: Benign. Review status: criteria provided, single submitter. Criteria: ACMG Guidelines, 2015. Collection method: not provided. Allele origin: germline. Inheritance: Autosomal dominant inheritance. Affected: yes.